The following is an entry in ClinVar:

NM_002485.5(NBN):c.1531_1536del (p.Asn511_Glu512del)

Gene: NBN (nibrin; minus strand). Cytogenetic location: 8q21.3.
Variant type: Deletion.
Coding change: c.1531_1536del on transcript NM_002485.5 (MANE Select); coding-DNA positions 1531 to 1536, 6 bases deleted (AATGAG; older notation c.1531_1536delAATGAG).
Protein change: p.Asn511_Glu512del.
Molecular consequence: inframe deletion. On other transcripts: inframe indel (1).
Genome position (GRCh38, 1-based): chr8:89,953,553-89,953,558, CTCATT deleted on the plus strand (AATGAG on the coding strand, the reverse complement: NBN is on the minus strand); deleting any 6 consecutive bases within chr8:89,953,553-89,953,562 gives the same sequence; the c. name uses the placement nearest the transcript's 3' end. VCF-style (leftmost placement, unchanged base first): chr8-89953552-GCTCATT-G. GRCh37 (hg19) VCF-style: chr8-90965780-GCTCATT-G.
Other names: c.1531_1536delAATGAG (NM_002485.4); c.1285_1290del, p.Asn429_Glu430del (NM_001024688.3).
Identifiers: ClinVar variation 1774629 (VCV001774629.2), dbSNP rs2488232810, ClinGen allele CA2580079070.
Genomic context (GRCh38, chr8:89,953,552, plus strand): 5'-TCACAATAGATTTTAAATCTGTATCTGTAAATAAGTTATTGTCTGAGTTTGTGTCCACAG[GCTCATT>G]CTCAGATAGATGCTGCTCCTTATTTTTCCACAATGAGGGTGTAGCAGGTTGTGTTTGTTC-3'

ClinVar aggregate classification (germline): Uncertain significance (1 of 4 stars; one submission).

Conditions:
Hereditary cancer-predisposing syndrome. Also called: Hereditary Cancer Syndrome; Hereditary neoplastic syndrome; Neoplastic Syndromes, Hereditary; Tumor predisposition. Identifiers: Orphanet 140162, MedGen C0027672, MeSH D009386, MONDO:0015356.

Submission:

Ambry Genetics
Classification: Uncertain significance for Hereditary cancer-predisposing syndrome. Last evaluated: 2021-01-05. Review status: criteria provided, single submitter. Criteria: Ambry Variant Classification Scheme 2023. Collection method: clinical testing. Allele origin: germline.
Comment: The c.1531_1536delAATGAG variant (also known as p.N511_E512del) is located in coding exon 11 of the NBN gene. This variant results from an in-frame AATGAG deletion at nucleotide positions 1531 to 1536. This results in the in-frame deletion of asparagine and glutamic acid residues at codons 511 to 512. These amino acid positions are not well conserved in available vertebrate species. Since supporting evidence is limited at this time, the clinical significance of this alteration remains unclear.